The following is an entry in ClinVar:

ClinVar aggregate classification (germline): Likely benign (0 of 4 stars; one submission).

Conditions:
DYRK1B-related disorder. Also called: DYRK1B-related condition.

gnomAD v4.1: 1 of 1,609,774 alleles (0.000062%); no homozygotes.

Submission:

PreventionGenetics, part of Exact Sciences
Classification: Likely benign for DYRK1B-related condition. Last evaluated: 2024-08-13. Review status: no assertion criteria provided. Collection method: clinical testing. Allele origin: germline.
Comment: This variant is classified as likely benign based on ACMG/AMP sequence variant interpretation guidelines (Richards et al. 2015 PMID: 25741868, with internal and published modifications).

NM_004714.3(DYRK1B):c.64-7C>T

Gene: DYRK1B (dual specificity tyrosine phosphorylation regulated kinase 1B; minus strand). Cytogenetic location: 19q13.2.
Variant type: single nucleotide variant.
Coding change: c.64-7C>T on transcript NM_004714.3 (MANE Select); 7 bases into the intron before coding-DNA position 64, C replaced by T.
Molecular consequence: intron variant.
Genome position (GRCh38, 1-based): chr19:39,830,790, G>A on the plus strand (C>T on the coding strand, the complement: DYRK1B is on the minus strand). VCF-style: chr19-39830790-G-A. GRCh37 (hg19) VCF-style: chr19-40321430-G-A.
Other names: c.64-7C>T (NM_006483.3, NM_006484.3).
Identifiers: ClinVar variation 3344754 (VCV003344754.1).